The following is an entry in ClinVar:

ClinVar aggregate classification (germline): Likely benign. Review status: criteria provided, single submitter (1 of 4 stars). 2 submissions from 2 submitters: Likely benign (1). 1 of the submissions does not count toward it. Last evaluated 2019-08-30.

Conditions:
ZNF407-related disorder. Also called: ZNF407-related condition.

Allele frequency attached by ClinVar (database versions not stated): ExAC 0.00002; gnomAD exomes 0.00002 and 0.00006; gnomAD 0.00003; TOPMed 0.00003.
gnomAD v4.1: 92 of 1,613,876 alleles (0.0057%); highest among the groups gnomAD compares: Non-Finnish European, 0.0073%; no homozygotes.

Submissions (2):

Genetic Services Laboratory, University of Chicago
Classification: Likely benign. Last evaluated: 2019-08-30. Review status: criteria provided, single submitter. Criteria: ACMG Guidelines, 2015. Collection method: clinical testing. Allele origin: germline. Affected: no.

PreventionGenetics, part of Exact Sciences
Classification: Likely benign for ZNF407-related condition. Last evaluated: 2021-04-07. Review status: no assertion criteria provided. Collection method: clinical testing. Allele origin: germline. Not counted in ClinVar's aggregate classification.
Comment: This variant is classified as likely benign based on ACMG/AMP sequence variant interpretation guidelines (Richards et al. 2015 PMID: 25741868, with internal and published modifications).

NM_017757.3(ZNF407):c.246G>A (p.Glu82=)

Gene: ZNF407 (zinc finger protein 407; plus strand). Cytogenetic location: 18q22.3.
Variant type: single nucleotide variant.
Coding change: c.246G>A on transcript NM_017757.3 (MANE Select); coding-DNA position 246, G replaced by A.
Protein change: p.Glu82=; no amino-acid change (glutamic acid 82 retained).
Molecular consequence: synonymous variant.
Genome position (GRCh38, 1-based): chr18:74,631,265, G>A. VCF-style: chr18-74631265-G-A. GRCh37 (hg19) VCF-style: chr18-72343221-G-A.
Other names: c.246G>A, p.Glu82= (NM_001146189.1, NM_001146190.1, NM_001384475.1).
Identifiers: ClinVar variation 1337346 (VCV001337346.6), dbSNP rs748374834, ClinGen allele CA9000160.
Genomic context (GRCh38, chr18:74,631,265, plus strand): 5'-TGTTATAGGAGAAGACAGAAATAAACATGCTTCCAAACGCAGGAAATTAGATGAGGCAGA[G>A]CCCCTTAAATCTGGAAAGCAAGGTATTTGTAGATTAGAAACTTCTGAGAGCTCAGTCACA-3'
Protein context (NP_060227.2, residues 72-92): ASKRRKLDEA[Glu82=]PLKSGKQGIC